The following is an entry in ClinVar:

ClinVar aggregate classification (germline): Uncertain significance (1 of 4 stars; one submission).

Allele frequency attached by ClinVar (database versions not stated): ExAC 0.00017; gnomAD exomes 0.00011; ESP Exome Variant Server 0.00046; 1000 Genomes Project 30x 0.00078; TOPMed 0.00054; 1000 Genomes Project 0.00080.

Submission:

Labcorp Genetics (formerly Invitae), Labcorp
Classification: Uncertain significance. Last evaluated: 2022-05-19. Review status: criteria provided, single submitter. Criteria: Invitae Variant Classification Sherloc (09022015). Collection method: clinical testing. Allele origin: germline.
Comment: This sequence change replaces aspartic acid, which is acidic and polar, with alanine, which is neutral and non-polar, at codon 341 of the CCDC8 protein (p.Asp341Ala). This variant is present in population databases (rs150665022, gnomAD 0.2%). This variant has not been reported in the literature in individuals affected with CCDC8-related conditions. Algorithms developed to predict the effect of missense changes on protein structure and function output the following: SIFT: "Tolerated"; PolyPhen-2: "Benign"; Align-GVGD: "Class C0". The alanine amino acid residue is found in multiple mammalian species, which suggests that this missense change does not adversely affect protein function. In summary, the available evidence is currently insufficient to determine the role of this variant in disease. Therefore, it has been classified as a Variant of Uncertain Significance.

NM_032040.5(CCDC8):c.1022A>C (p.Asp341Ala)

Gene: CCDC8 (coiled-coil domain containing 8; minus strand). Cytogenetic location: 19q13.32.
Variant type: single nucleotide variant.
Coding change: c.1022A>C on transcript NM_032040.5 (MANE Select); coding-DNA position 1022, A replaced by C.
Protein change: p.Asp341Ala; replaces aspartic acid 341 with alanine.
Molecular consequence: missense variant.
Genome position (GRCh38, 1-based): chr19:46,411,789, T>G on the plus strand (A>C on the coding strand, the complement: CCDC8 is on the minus strand). VCF-style: chr19-46411789-T-G. GRCh37 (hg19) VCF-style: chr19-46915046-T-G.
Other names: short protein forms D341A.
Identifiers: ClinVar variation 1505676 (VCV001505676.5), dbSNP rs150665022, ClinGen allele CA9528558.
Genomic context (GRCh38, chr19:46,411,789, plus strand): 5'-TCCCTCTGGTTATCTGCAGCCTCTGCCCCCTCCTCAGCTGGGGCCCCTGCCCTCTGATTA[T>G]CTGCAGCCTCTTCCCTCTGATTATCTGCAGCCTCTGCCCCCTGGTCAGCTGGGGCCCCTG-3'
Protein context (NP_114429.2, residues 331-351): AADNQREEAA[Asp341Ala]NQRAGAPAEE